The following is an entry in ClinVar:

NM_031220.4(PITPNM3):c.2824G>A (p.Glu942Lys)

Gene: PITPNM3 (PITPNM family member 3; minus strand). Cytogenetic location: 17p13.2.
Variant type: single nucleotide variant.
Coding change: c.2824G>A on transcript NM_031220.4 (MANE Select); coding-DNA position 2824, G replaced by A.
Protein change: p.Glu942Lys; replaces glutamic acid 942 with lysine.
Molecular consequence: missense variant.
Genome position (GRCh38, 1-based): chr17:6,455,439, C>T on the plus strand (G>A on the coding strand, the complement: PITPNM3 is on the minus strand). VCF-style: chr17-6455439-C-T. GRCh37 (hg19) VCF-style: chr17-6358759-C-T.
Other names: c.2716G>A, p.Glu906Lys (NM_001165966.2); short protein forms E906K, E942K.
Identifiers: ClinVar variation 867064 (VCV000867064.4), dbSNP rs1914044665, ClinGen allele CA397399714.

ClinVar aggregate classification (germline): Uncertain significance. Review status: criteria provided, multiple submitters, no conflicts (2 of 4 stars). 2 submissions from 2 submitters: Uncertain significance (2). Last evaluated 2024-08-19.

Allele frequency attached by ClinVar (database versions not stated): gnomAD exomes below 0.00001; TOPMed below 0.00001.
gnomAD v4.1: 3 of 1,603,766 alleles (0.00019%); highest among the groups gnomAD compares: South Asian, 0.0011%; no homozygotes.

Submissions (2):

Labcorp Genetics (formerly Invitae), Labcorp
Classification: Uncertain significance. Last evaluated: 2024-08-19. Review status: criteria provided, single submitter. Criteria: Invitae Variant Classification Sherloc (09022015). Collection method: clinical testing. Allele origin: germline.
Comment: This sequence change replaces glutamic acid, which is acidic and polar, with lysine, which is basic and polar, at codon 942 of the PITPNM3 protein (p.Glu942Lys). This variant is not present in population databases (gnomAD no frequency). This variant has not been reported in the literature in individuals affected with PITPNM3-related conditions. ClinVar contains an entry for this variant (Variation ID: 867064). An algorithm developed to predict the effect of missense changes on protein structure and function (PolyPhen-2) suggests that this variant is likely to be disruptive. In summary, the available evidence is currently insufficient to determine the role of this variant in disease. Therefore, it has been classified as a Variant of Uncertain Significance.

Blueprint Genetics
Classification: Uncertain significance. Last evaluated: 2019-01-09. Review status: criteria provided, single submitter. Criteria: ACMG Guidelines, 2015. Collection method: clinical testing. Allele origin: germline.